The following is an entry in ClinVar:

NM_006796.3(AFG3L2):c.7C>T (p.His3Tyr)

Gene: AFG3L2 (AFG3 like matrix AAA peptidase subunit 2; minus strand). Cytogenetic location: 18p11.21.
Variant type: single nucleotide variant.
Coding change: c.7C>T on transcript NM_006796.3 (MANE Select); coding-DNA position 7, C replaced by T.
Protein change: p.His3Tyr; replaces histidine 3 with tyrosine.
Molecular consequence: missense variant.
Genome position (GRCh38, 1-based): chr18:12,377,076, G>A on the plus strand (C>T on the coding strand, the complement: AFG3L2 is on the minus strand). VCF-style: chr18-12377076-G-A. GRCh37 (hg19) VCF-style: chr18-12377075-G-A.
Other names: short protein forms H3Y.
Identifiers: ClinVar variation 1032494 (VCV001032494.5), dbSNP rs1909186789, ClinGen allele CA401955657.

ClinVar aggregate classification (germline): Uncertain significance. Review status: criteria provided, multiple submitters, no conflicts (2 of 4 stars). 2 submissions from 2 submitters: Uncertain significance (2). Last evaluated 2022-04-06.

Conditions:
Spastic ataxia 5. Also called: Spastic Ataxia Type 5 (SPAX5). Identifiers: Orphanet 313772, MedGen C3280977, MONDO:0013776, OMIM 614487.

Submissions (2):

Labcorp Genetics (formerly Invitae), Labcorp
Classification: Uncertain significance. Last evaluated: 2022-04-06. Review status: criteria provided, single submitter. Criteria: Invitae Variant Classification Sherloc (09022015). Collection method: clinical testing. Allele origin: germline.
Comment: In summary, the available evidence is currently insufficient to determine the role of this variant in disease. Therefore, it has been classified as a Variant of Uncertain Significance. Advanced modeling of protein sequence and biophysical properties (such as structural, functional, and spatial information, amino acid conservation, physicochemical variation, residue mobility, and thermodynamic stability) performed at Invitae indicates that this missense variant is not expected to disrupt AFG3L2 protein function. ClinVar contains an entry for this variant (Variation ID: 1032494). This variant has not been reported in the literature in individuals affected with AFG3L2-related conditions. This variant is not present in population databases (gnomAD no frequency). This sequence change replaces histidine, which is basic and polar, with tyrosine, which is neutral and polar, at codon 3 of the AFG3L2 protein (p.His3Tyr).

Baylor Genetics
Classification: Uncertain significance for Spastic ataxia 5. Last evaluated: 2018-09-11. Review status: criteria provided, single submitter. Criteria: ACMG Guidelines, 2015. Collection method: clinical testing. Allele origin: paternal. Affected: yes.
Comment: This variant was determined to be of uncertain significance according to ACMG Guidelines, 2015 [PMID:25741868].